The following is an entry in ClinVar:

ClinVar aggregate classification (germline): Uncertain significance (1 of 4 stars; one submission).

Conditions:
Autosomal recessive ataxia, Beauce type. Also called: SYNE1-Related Autosomal Recessive Cerebellar Ataxia; Spinocerebellar ataxia, autosomal recessive 8; ATAXIA, RECESSIVE, OF BEAUCE; SYNE1 Deficiency. Identifiers: Orphanet 88644, MedGen C1853116, MONDO:0012549, OMIM 610743.
Emery-Dreifuss muscular dystrophy 4, autosomal dominant (EDMD4). Also called: EMERY-DREIFUSS MUSCULAR DYSTROPHY 4 WITH VARIABLE FEATURES. Identifiers: Orphanet 261, MedGen C2751807, MONDO:0013071, OMIM 612998.

gnomAD v4.1: 1 of 1,614,132 alleles (0.000062%); highest among the groups gnomAD compares: South Asian, 0.0011%; no homozygotes.

Submission:

Labcorp Genetics (formerly Invitae), Labcorp
Classification: Uncertain significance for Emery-Dreifuss muscular dystrophy 4, autosomal dominant; Autosomal recessive ataxia, Beauce type. Last evaluated: 2023-05-15. Review status: criteria provided, single submitter. Criteria: Invitae Variant Classification Sherloc (09022015). Collection method: clinical testing. Allele origin: germline.
Comment: In summary, the available evidence is currently insufficient to determine the role of this variant in disease. Therefore, it has been classified as a Variant of Uncertain Significance. An algorithm developed to predict the effect of missense changes on protein structure and function (PolyPhen-2) suggests that this variant is likely to be disruptive. ClinVar contains an entry for this variant (Variation ID: 1486950). This variant has not been reported in the literature in individuals affected with SYNE1-related conditions. This variant is not present in population databases (gnomAD no frequency). This sequence change replaces serine, which is neutral and polar, with phenylalanine, which is neutral and non-polar, at codon 5487 of the SYNE1 protein (p.Ser5487Phe).

NM_182961.4(SYNE1):c.16673C>T (p.Ser5558Phe)

Gene: SYNE1 (spectrin repeat containing nuclear envelope protein 1; minus strand). Cytogenetic location: 6q25.2.
Variant type: single nucleotide variant.
Coding change: c.16673C>T on transcript NM_182961.4 (MANE Select); coding-DNA position 16673, C replaced by T.
Protein change: p.Ser5558Phe; replaces serine 5558 with phenylalanine.
Molecular consequence: missense variant.
Genome position (GRCh38, 1-based): chr6:152,316,886, G>A on the plus strand (C>T on the coding strand, the complement: SYNE1 is on the minus strand). VCF-style: chr6-152316886-G-A. GRCh37 (hg19) VCF-style: chr6-152638021-G-A.
Other names: c.16460C>T, p.Ser5487Phe (NM_033071.5); short protein forms S5487F, S5558F.
Identifiers: ClinVar variation 1486950 (VCV001486950.6), dbSNP rs1379717748, ClinGen allele CA366110202.
Genomic context (GRCh38, chr6:152,316,886, plus strand): 5'-AAGATTATTTTTCCTAAGGTTACCTGATGCAAAATATATTGTTCCCGAAGCTGGCTTGCA[G>A]AATTCCATGCAATAGTTCCATGAGCCAAGACTTTAGCTTTTTCAATCCACTTCAAAATTA-3'
Protein context (NP_892006.3, residues 5548-5568): VLAHGTIAWN[Ser5558Phe]ASQLREQYIL